The following is an entry in ClinVar:

NM_005591.4(MRE11):c.1051C>T (p.Arg351Cys)

Gene: MRE11 (MRE11 double strand break repair nuclease; minus strand). Cytogenetic location: 11q21.
Variant type: single nucleotide variant.
Coding change: c.1051C>T on transcript NM_005591.4 (MANE Select); coding-DNA position 1051, C replaced by T.
Protein change: p.Arg351Cys; replaces arginine 351 with cysteine.
Molecular consequence: missense variant.
Genome position (GRCh38, 1-based): chr11:94,467,860, G>A on the plus strand (C>T on the coding strand, the complement: MRE11 is on the minus strand). VCF-style: chr11-94467860-G-A. GRCh37 (hg19) VCF-style: chr11-94201026-G-A.
Other names: c.1051C>T, p.Arg351Cys (NM_001330347.2, NM_005590.4); short protein forms R351C.
Identifiers: ClinVar variation 185161 (VCV000185161.60), dbSNP rs757492041, ClinGen allele CA191193.

ClinVar aggregate classification (germline): Uncertain significance. Review status: criteria provided, multiple submitters, no conflicts (2 of 4 stars). 7 submissions from 7 submitters: Uncertain significance (7). Last evaluated 2025-11-10.

Conditions:
Ataxia-telangiectasia-like disorder (ATLD). Identifiers: MedGen C1858391, MONDO:0011457.
Hereditary cancer-predisposing syndrome. Also called: Tumor predisposition; Neoplastic Syndromes, Hereditary; Hereditary Cancer Syndrome; Hereditary neoplastic syndrome. Identifiers: Orphanet 140162, MedGen C0027672, MeSH D009386, MONDO:0015356.
Ataxia-telangiectasia-like disorder 1 (ATLD1). Identifiers: Orphanet 251347, MedGen C4012790, MONDO:0024557, OMIM 604391.

Allele frequency attached by ClinVar (database versions not stated): gnomAD 0.00002; gnomAD exomes 0.00003 and 0.00004; ExAC 0.00004; TOPMed 0.00005.
gnomAD v4.1: 49 of 1,613,534 alleles (0.003%); highest among the groups gnomAD compares: Middle Eastern, 0.017%; no homozygotes.

Submissions (7):

Labcorp Genetics (formerly Invitae), Labcorp
Classification: Uncertain significance for Ataxia-telangiectasia-like disorder. Last evaluated: 2025-11-10. Review status: criteria provided, single submitter. Criteria: Invitae Variant Classification Sherloc (09022015). Collection method: clinical testing. Allele origin: germline.
Comment: This sequence change replaces arginine, which is basic and polar, with cysteine, which is neutral and slightly polar, at codon 351 of the MRE11 protein (p.Arg351Cys). This variant is present in population databases (rs757492041, gnomAD 0.01%). This missense change has been observed in individual(s) with breast cancer (PMID: 35534704). ClinVar contains an entry for this variant (Variation ID: 185161). An algorithm developed to predict the effect of missense changes on protein structure and function (PolyPhen-2) suggests that this variant is likely to be tolerated. In summary, the available evidence is currently insufficient to determine the role of this variant in disease. Therefore, it has been classified as a Variant of Uncertain Significance.

Quest Diagnostics Nichols Institute San Juan Capistrano
Classification: Uncertain significance. Last evaluated: 2025-07-16. Review status: criteria provided, single submitter. Criteria: Quest Diagnostics criteria. Collection method: clinical testing. Allele origin: unknown.

Fulgent Genetics
Classification: Uncertain significance for Ataxia-telangiectasia-like disorder 1. Last evaluated: 2024-03-13. Review status: criteria provided, single submitter. Criteria: ACMG Guidelines, 2015. Collection method: clinical testing. Allele origin: germline.

Baylor Genetics
Classification: Uncertain significance for Ataxia-telangiectasia-like disorder 1. Last evaluated: 2024-02-14. Review status: criteria provided, single submitter. Criteria: ACMG Guidelines, 2015. Collection method: clinical testing. Allele origin: unknown.

Ambry Genetics
Classification: Uncertain significance for Hereditary cancer-predisposing syndrome. Last evaluated: 2024-01-01. Review status: criteria provided, single submitter. Criteria: Ambry Variant Classification Scheme 2023. Collection method: clinical testing. Allele origin: germline.
Comment: The p.R351C variant (also known as c.1051C>T), located in coding exon 9 of the MRE11A gene, results from a C to T substitution at nucleotide position 1051. The arginine at codon 351 is replaced by cysteine, an amino acid with highly dissimilar properties. This amino acid position is highly conserved in available vertebrate species. In addition, this alteration is predicted to be deleterious by in silico analysis. Since supporting evidence is limited at this time, the clinical significance of this alteration remains unclear.

Illumina Laboratory Services, Illumina
Classification: Uncertain significance for Ataxia-telangiectasia-like disorder 1. Last evaluated: 2018-01-13. Review status: criteria provided, single submitter. Criteria: ICSL Variant Classification Criteria 13 December 2019. Collection method: clinical testing. Allele origin: germline.

CeGaT Center for Human Genetics Tuebingen
Classification: Uncertain significance. Last evaluated: 2016-06-01. Review status: criteria provided, single submitter. Criteria: CeGaT Center For Human Genetics Tuebingen Variant Classification Criteria Version 2. Collection method: clinical testing. Allele origin: germline. Affected: yes. Observed: 1 variant allele.

Literature cited by the submitters: PubMed 35534704 (cited by Labcorp Genetics (formerly Invitae), Labcorp).